The following is an entry in ClinVar:

NM_000089.4(COL1A2):c.1690G>A (p.Ala564Thr)

Gene: COL1A2 (collagen type I alpha 2 chain; plus strand). Cytogenetic location: 7q21.3.
Variant type: single nucleotide variant.
Coding change: c.1690G>A on transcript NM_000089.4 (MANE Select); coding-DNA position 1690, G replaced by A.
Protein change: p.Ala564Thr; replaces alanine 564 with threonine.
Molecular consequence: missense variant.
Genome position (GRCh38, 1-based): chr7:94,414,246, G>A. VCF-style: chr7-94414246-G-A. GRCh37 (hg19) VCF-style: chr7-94043558-G-A.
Other names: short protein forms A564T.
Identifiers: ClinVar variation 373647 (VCV000373647.6), dbSNP rs41317153, ClinGen allele CA4347171.

ClinVar aggregate classification (germline): Uncertain significance. Review status: criteria provided, multiple submitters, no conflicts (2 of 4 stars). 2 submissions from 2 submitters: Uncertain significance (2). Last evaluated 2025-07-09.

Conditions:
Osteogenesis imperfecta type I (OI1). Also called: Lobstein disease; OI, TYPE I; OSTEOGENESIS IMPERFECTA TARDA; OSTEOGENESIS IMPERFECTA WITH BLUE SCLERAE; Classic Non-deforming Osteogenesis Imperfecta with Blue Sclerae; Osteogenesis imperfecta type 1. Identifiers: Orphanet 216796, Orphanet 666, MedGen C0023931, MONDO:0008146, OMIM 166200. Disease mechanism: loss of function.
Ehlers-Danlos syndrome, classic type, 1 (EDSCL1). Also called: EHLERS-DANLOS SYNDROME, GRAVIS TYPE; EHLERS-DANLOS SYNDROME, SEVERE CLASSIC TYPE; Ehlers-Danlos Syndrome, Classic Type, COL5A1-Related; EDS I; Ehlers-Danlos syndrome, type 1. Identifiers: MedGen C0268335, MONDO:0019567, OMIM 130000.

Allele frequency attached by ClinVar (database versions not stated): gnomAD exomes 0.00003 and 0.00002; ExAC 0.00002; gnomAD 0.00001 and 0.00003; TOPMed 0.00003; ESP Exome Variant Server 0.00008.
gnomAD v4.1: 30 of 1,613,964 alleles (0.0019%); highest among the groups gnomAD compares: Middle Eastern, 0.033%; no homozygotes.

Submissions (2):

Labcorp Genetics (formerly Invitae), Labcorp
Classification: Uncertain significance for Osteogenesis imperfecta type I; Ehlers-Danlos syndrome, classic type, 1. Last evaluated: 2025-07-09. Review status: criteria provided, single submitter. Criteria: Invitae Variant Classification Sherloc (09022015). Collection method: clinical testing. Allele origin: germline.
Comment: This sequence change replaces alanine, which is neutral and non-polar, with threonine, which is neutral and polar, at codon 564 of the COL1A2 protein (p.Ala564Thr). This variant is present in population databases (rs41317153, gnomAD 0.006%). This variant has not been reported in the literature in individuals affected with COL1A2-related conditions. ClinVar contains an entry for this variant (Variation ID: 373647). Invitae Evidence Modeling of protein sequence and biophysical properties (such as structural, functional, and spatial information, amino acid conservation, physicochemical variation, residue mobility, and thermodynamic stability) indicates that this missense variant is not expected to disrupt COL1A2 protein function with a negative predictive value of 95%. In summary, the available evidence is currently insufficient to determine the role of this variant in disease. Therefore, it has been classified as a Variant of Uncertain Significance.

GeneDx
Classification: Uncertain significance. Last evaluated: 2016-11-28. Review status: criteria provided, single submitter. Criteria: GeneDx Variant Classification (06012015). Collection method: clinical testing. Allele origin: germline. Affected: yes.
Comment: A variant of uncertain significance has been identified in the COL1A2 gene. The A564T variant has not been published as a pathogenic variant, nor has it been reported as a benign variant to our knowledge. This variant was not observed with any significant frequency in approximately 6,500 individuals of European and African American ancestry in the NHLBI Exome Sequencing Project. The A564T variant is a non-conservative amino acid substitution, which is likely to impact secondary protein structure as these residues differ in polarity, charge, size and/or other properties. However, this substitution occurs at a position that is not conserved across species and where Threonine is the wild type in several species, including the chimpanzee. In silico analysis suggests that this variant likely does not alter the protein structure/function.Therefore, based on the currently available information, it is unclear whether this variant is pathogenic or rare benign.